The following is an entry in ClinVar:

ClinVar aggregate classification (germline): Conflicting classifications of pathogenicity. Review status: criteria provided, conflicting classifications (1 of 4 stars). 6 submissions from 6 submitters: Uncertain significance (5); Likely benign (1). Last evaluated 2025-12-09.

Conditions:
Hereditary cancer-predisposing syndrome. Also called: Hereditary Cancer Syndrome; Neoplastic Syndromes, Hereditary; Tumor predisposition; Hereditary neoplastic syndrome. Identifiers: Orphanet 140162, MedGen C0027672, MeSH D009386, MONDO:0015356.
Hereditary breast ovarian cancer syndrome. Also called: Breast and ovarian cancer; Hereditary breast and/or ovarian cancer syndrome; Hereditary breast and ovarian cancer; Hereditary breast and ovarian cancer syndrome (HBOC); BRCA1- and BRCA2-Associated Hereditary Breast and Ovarian Cancer; Hereditary breast and ovarian cancer syndrome. Identifiers: Orphanet 145, MedGen C0677776, MeSH D061325, MONDO:0003582. Disease mechanism: loss of function.

Allele frequency attached by ClinVar (database versions not stated): gnomAD exomes below 0.00001; TOPMed below 0.00001.
gnomAD v4.1: 2 of 1,613,348 alleles (0.00012%); highest among the groups gnomAD compares: Non-Finnish European, 0.00017%; no homozygotes.

Submissions (6):

Labcorp Genetics (formerly Invitae), Labcorp
Classification: Uncertain significance for Hereditary breast ovarian cancer syndrome. Last evaluated: 2025-12-09. Review status: criteria provided, single submitter. Criteria: Invitae Variant Classification Sherloc (09022015). Collection method: clinical testing. Allele origin: germline.
Comment: This sequence change replaces serine, which is neutral and polar, with threonine, which is neutral and polar, at codon 1123 of the BRCA2 protein (p.Ser1123Thr). This variant is not present in population databases (gnomAD no frequency). This variant has not been reported in the literature in individuals affected with BRCA2-related conditions. ClinVar contains an entry for this variant (Variation ID: 489756). Invitae Evidence Modeling of protein sequence and biophysical properties (such as structural, functional, and spatial information, amino acid conservation, physicochemical variation, residue mobility, and thermodynamic stability) indicates that this missense variant is not expected to disrupt BRCA2 protein function with a negative predictive value of 95%. In summary, the available evidence is currently insufficient to determine the role of this variant in disease. Therefore, it has been classified as a Variant of Uncertain Significance.

Ambry Genetics
Classification: Uncertain significance for Hereditary cancer-predisposing syndrome. Last evaluated: 2025-10-31. Review status: criteria provided, single submitter. Criteria: Ambry Variant Classification Scheme 2023. Collection method: clinical testing. Allele origin: germline.
Comment: The p.S1123T variant (also known as c.3368G>C), located in coding exon 10 of the BRCA2 gene, results from a G to C substitution at nucleotide position 3368. The serine at codon 1123 is replaced by threonine, an amino acid with similar properties. This amino acid position is highly conserved in available vertebrate species. In addition, this alteration is predicted to be tolerated by in silico analysis. Since supporting evidence is limited at this time, the clinical significance of this alteration remains unclear.

Color Diagnostics, LLC DBA Color Health
Classification: Uncertain significance for Hereditary cancer-predisposing syndrome. Last evaluated: 2024-03-06. Review status: criteria provided, single submitter. Criteria: ACMG Guidelines, 2015. Collection method: clinical testing. Allele origin: germline.
Comment: This missense variant replaces serine with threonine at codon 1123 of the BRCA2 protein. Computational prediction suggests that this variant may not impact protein structure and function (internally defined REVEL score threshold <= 0.5, PMID: 27666373). To our knowledge, functional studies have not been reported for this variant. This variant has not been reported in individuals affected with hereditary cancer in the literature. This variant has not been identified in the general population by the Genome Aggregation Database (gnomAD). The available evidence is insufficient to determine the role of this variant in disease conclusively. Therefore, this variant is classified as a Variant of Uncertain Significance.

University of Washington Department of Laboratory Medicine, University of Washington
Classification: Likely benign for Hereditary cancer-predisposing syndrome. Last evaluated: 2023-03-23. Review status: criteria provided, single submitter. Criteria: Dines et al. (Genet Med. 2020). Collection method: curation. Allele origin: germline.
Comment: Missense variant in a coldspot region where missense variants are very unlikely to be pathogenic (PMID:31911673).

BRCA2 exon 11 coldspot. Reclassification based on statistical prior probability.

Sema4
Classification: Uncertain significance for Hereditary cancer-predisposing syndrome. Last evaluated: 2021-06-29. Review status: criteria provided, single submitter. Criteria: Sema4 Curation Guidelines. Collection method: curation. Allele origin: germline.
Comment: The BRCA2 c.3368G>C (p.S1123T) variant has not been reported in the literature to our knowledge. It was not observed in the large and broad cohorts of the Genome Aggregation Database (PMID: 32461654). The variant has been reported in ClinVar (Variation ID S1123T). In silico tools suggest the impact of the variant on protein function is inconclusive, though these predictions have not been confirmed by functional studies. The evidence is insufficient to meet ACMG/AMP criteria for classifying the variant as benign or pathogenic. Thus, the clinical significance of this variant is currently uncertain.

Quest Diagnostics Nichols Institute San Juan Capistrano
Classification: Uncertain significance. Last evaluated: 2019-06-18. Review status: criteria provided, single submitter. Criteria: Quest Diagnostics criteria. Collection method: clinical testing. Allele origin: germline.

NM_000059.4(BRCA2):c.3368G>C (p.Ser1123Thr)

Gene: BRCA2 (BRCA2 DNA repair associated; plus strand). Cytogenetic location: 13q13.1.
Variant type: single nucleotide variant.
Coding change: c.3368G>C on transcript NM_000059.4 (MANE Select); coding-DNA position 3368, G replaced by C.
Protein change: p.Ser1123Thr; replaces serine 1123 with threonine.
Molecular consequence: missense variant.
Genome position (GRCh38, 1-based): chr13:32,337,723, G>C. VCF-style: chr13-32337723-G-C. GRCh37 (hg19) VCF-style: chr13-32911860-G-C.
Other names: short protein forms S1123T.
Identifiers: ClinVar variation 489756 (VCV000489756.23), dbSNP rs1555283202, ClinGen allele CA387776394.